The following is an entry in ClinVar:

NM_000256.3(MYBPC3):c.1034T>C (p.Leu345Pro)

Gene: MYBPC3 (myosin binding protein C3; minus strand). Cytogenetic location: 11p11.2.
Variant type: single nucleotide variant.
Coding change: c.1034T>C on transcript NM_000256.3 (MANE Select); coding-DNA position 1034, T replaced by C.
Protein change: p.Leu345Pro; replaces leucine 345 with proline.
Molecular consequence: missense variant.
Genome position (GRCh38, 1-based): chr11:47,346,263, A>G on the plus strand (T>C on the coding strand, the complement: MYBPC3 is on the minus strand). VCF-style: chr11-47346263-A-G. GRCh37 (hg19) VCF-style: chr11-47367814-A-G.
Other names: short protein forms L345P.
Identifiers: ClinVar variation 840639 (VCV000840639.9), dbSNP rs2095893977, ClinGen allele CA380331268.
Genomic context (GRCh38, chr11:47,346,263, plus strand): 5'-TAACCTGTGCTCTTCTTCTCATCGCGCCTCATGCCCTTGAGCCTCTTTAGCATGCCGCGC[A>G]GGTCAGTGACGCCGTACTGGAAGGCGATGCGCTCGTACTCAGATGGGGGTGCCTGCCGTA-3'
Protein context (NP_000247.2, residues 335-355): RIAFQYGVTD[Leu345Pro]RGMLKRLKGM

ClinVar aggregate classification (germline): Uncertain significance (1 of 4 stars; one submission).

Conditions:
Hypertrophic cardiomyopathy. Also called: HYPERTROPHIC MYOCARDIOPATHY. Identifiers: Orphanet 217569, MedGen C0007194, MeSH D002312, MONDO:0005045, HP:0001639.

Submission:

Labcorp Genetics (formerly Invitae), Labcorp
Classification: Uncertain significance for Hypertrophic cardiomyopathy. Last evaluated: 2023-01-19. Review status: criteria provided, single submitter. Criteria: Invitae Variant Classification Sherloc (09022015). Collection method: clinical testing. Allele origin: germline.
Comment: In summary, the available evidence is currently insufficient to determine the role of this variant in disease. Therefore, it has been classified as a Variant of Uncertain Significance. Algorithms developed to predict the effect of missense changes on protein structure and function are either unavailable or do not agree on the potential impact of this missense change (SIFT: "Deleterious"; PolyPhen-2: "Possibly Damaging"; Align-GVGD: "Class C0"). ClinVar contains an entry for this variant (Variation ID: 840639). This missense change has been observed in individual(s) with MYBPC3-related conditions (PMID: 29247119). This variant is not present in population databases (gnomAD no frequency). This sequence change replaces leucine, which is neutral and non-polar, with proline, which is neutral and non-polar, at codon 345 of the MYBPC3 protein (p.Leu345Pro).

Literature cited by the submitters: PubMed 29247119.